The following is an entry in ClinVar:

ClinVar aggregate classification (germline): Uncertain significance. Review status: criteria provided, multiple submitters, no conflicts (2 of 4 stars). 2 submissions from 2 submitters: Uncertain significance (2). Last evaluated 2026-01-27.

Allele frequency attached by ClinVar (database versions not stated): gnomAD exomes 0.00005 and 0.00016; 1000 Genomes Project 30x 0.00016; 1000 Genomes Project 0.00020; ESP Exome Variant Server 0.00031; gnomAD 0.00031 and 0.00032; ExAC 0.00034; TOPMed 0.00037.

Submissions (2):

Labcorp Genetics (formerly Invitae), Labcorp
Classification: Uncertain significance. Last evaluated: 2026-01-27. Review status: criteria provided, single submitter. Criteria: Invitae Variant Classification Sherloc (09022015). Collection method: clinical testing. Allele origin: germline.
Comment: This sequence change replaces cysteine, which is neutral and slightly polar, with tyrosine, which is neutral and polar, at codon 196 of the VAV1 protein (p.Cys196Tyr). This variant is present in population databases (rs200332893, gnomAD 0.1%), and has an allele count higher than expected for a pathogenic variant. This variant has not been reported in the literature in individuals affected with VAV1-related conditions. ClinVar contains an entry for this variant (Variation ID: 1435819). An algorithm developed to predict the effect of missense changes on protein structure and function (PolyPhen-2) suggests that this variant is likely to be tolerated. In summary, the available evidence is currently insufficient to determine the role of this variant in disease. Therefore, it has been classified as a Variant of Uncertain Significance.

Ambry Genetics
Classification: Uncertain significance. Last evaluated: 2021-09-01. Review status: criteria provided, single submitter. Criteria: Ambry Variant Classification Scheme 2023. Collection method: clinical testing. Allele origin: germline.

NM_005428.4(VAV1):c.587G>A (p.Cys196Tyr)

Gene: VAV1 (vav guanine nucleotide exchange factor 1; plus strand). Cytogenetic location: 19p13.3.
Variant type: single nucleotide variant.
Coding change: c.587G>A on transcript NM_005428.4 (MANE Select); coding-DNA position 587, G replaced by A.
Protein change: p.Cys196Tyr; replaces cysteine 196 with tyrosine.
Molecular consequence: missense variant. On other transcripts: intron variant (1).
Genome position (GRCh38, 1-based): chr19:6,822,447, G>A. VCF-style: chr19-6822447-G-A. GRCh37 (hg19) VCF-style: chr19-6822458-G-A.
Other names: c.587G>A, p.Cys196Tyr (NM_001258206.2); c.558+118G>A (NM_001258207.2); c.587G>A (NM_005428.2); short protein forms C196Y.
Identifiers: ClinVar variation 1435819 (VCV001435819.7), dbSNP rs200332893, ClinGen allele CA9132281.